The following is an entry in ClinVar:

ClinVar aggregate classification (germline): Uncertain significance (1 of 4 stars; one submission).

Conditions:
Optic atrophy 3 (OPA3). Also called: OPTIC ATROPHY 3, AUTOSOMAL DOMINANT; Optic atrophy, cataract, and neurologic disorder; Optic atrophy 3 with cataract. Identifiers: Orphanet 67036, MedGen C1833809, MONDO:0008133, OMIM 165300.
3-Methylglutaconic aciduria type 3 (MGCA3). Also called: OPA3, AUTOSOMAL RECESSIVE; OPTIC ATROPHY 3, AUTOSOMAL RECESSIVE; OPA3-Related 3-Methylglutaconic Aciduria; Costeff Syndrome. Identifiers: Orphanet 67047, MedGen C0574084, MONDO:0009787, OMIM 258501.

Submission:

Labcorp Genetics (formerly Invitae), Labcorp
Classification: Uncertain significance for 3-Methylglutaconic aciduria type 3; Optic atrophy 3. Last evaluated: 2022-07-04. Review status: criteria provided, single submitter. Criteria: Invitae Variant Classification Sherloc (09022015). Collection method: clinical testing. Allele origin: germline.
Comment: This variant is not present in population databases (gnomAD no frequency). This sequence change replaces glycine, which is neutral and non-polar, with arginine, which is basic and polar, at codon 85 of the OPA3 protein (p.Gly85Arg). This variant has not been reported in the literature in individuals affected with OPA3-related conditions. In summary, the available evidence is currently insufficient to determine the role of this variant in disease. Therefore, it has been classified as a Variant of Uncertain Significance. Algorithms developed to predict the effect of missense changes on protein structure and function (SIFT, PolyPhen-2, Align-GVGD) all suggest that this variant is likely to be disruptive.

NM_025136.4(OPA3):c.253G>C (p.Gly85Arg)

Genes: OPA3 (outer mitochondrial membrane lipid metabolism regulator OPA3; minus strand), OPA3-RTN2 (OPA3-RTN2 readthrough; minus strand). Cytogenetic location: 19q13.32.
Variant type: single nucleotide variant.
Coding change: c.253G>C on transcript NM_025136.4 (MANE Select); coding-DNA position 253, G replaced by C.
Protein change: p.Gly85Arg; replaces glycine 85 with arginine.
Molecular consequence: missense variant. On other transcripts: intron variant (1).
Genome position (GRCh38, 1-based): chr19:45,553,801, C>G on the plus strand (G>C on the coding strand, the complement: OPA3 is on the minus strand). VCF-style: chr19-45553801-C-G. GRCh37 (hg19) VCF-style: chr19-46057059-C-G.
Other names: c.143-24345G>C (NM_001017989.3); short protein forms G85R.
Identifiers: ClinVar variation 2014074 (VCV002014074.4), dbSNP rs749444775, ClinGen allele CA406371071.